The following is an entry in ClinVar:

NM_018089.3(ANKZF1):c.2005C>T (p.Gln669Ter)

Gene: ANKZF1 (ankyrin repeat and zinc finger peptidyl tRNA hydrolase 1; plus strand). Cytogenetic location: 2q35.
Variant type: single nucleotide variant.
Coding change: c.2005C>T on transcript NM_018089.3 (MANE Select); coding-DNA position 2005, C replaced by T.
Protein change: p.Gln669Ter; replaces glutamine 669 with a stop codon.
Molecular consequence: nonsense.
Genome position (GRCh38, 1-based): chr2:219,236,043, C>T. VCF-style: chr2-219236043-C-T. GRCh37 (hg19) VCF-style: chr2-220100765-C-T.
Other names: c.2005C>T, p.Gln669Ter (NM_001042410.2); c.1375C>T, p.Gln459Ter (NM_001282792.2); short protein forms Q459*, Q669*.
Identifiers: ClinVar variation 4767952 (VCV004767952.1).

ClinVar aggregate classification (germline): Uncertain significance (1 of 4 stars; one submission).

gnomAD v4.1: 2 of 1,614,220 alleles (0.00012%); highest among the groups gnomAD compares: Non-Finnish European, 0.00017%; no homozygotes.

Submission:

Labcorp Genetics (formerly Invitae), Labcorp
Classification: Uncertain significance. Last evaluated: 2025-10-22. Review status: criteria provided, single submitter. Criteria: Invitae Variant Classification Sherloc (09022015). Collection method: clinical testing. Allele origin: germline.
Comment: This sequence change creates a premature translational stop signal (p.Gln669*) in the ANKZF1 gene. It is expected to result in an absent or disrupted protein product. However, the current clinical and genetic evidence is not sufficient to establish whether loss-of-function variants in ANKZF1 cause disease. This variant is present in population databases (rs746375968, gnomAD 0.0009%). This variant has not been reported in the literature in individuals affected with ANKZF1-related conditions. Algorithms developed to predict the effect of sequence changes on RNA splicing suggest that this variant may disrupt the consensus splice site. In summary, the available evidence is currently insufficient to determine the role of this variant in disease. Therefore, it has been classified as a Variant of Uncertain Significance.